The following is an entry in ClinVar:

NM_001353694.2(TIAM1):c.2904C>T (p.Ser968=)

Gene: TIAM1 (TIAM Rac1 associated GEF 1; minus strand). Cytogenetic location: 21q22.11.
Variant type: single nucleotide variant.
Coding change: c.2904C>T on transcript NM_001353694.2 (MANE Select); coding-DNA position 2904, C replaced by T.
Protein change: p.Ser968=; no amino-acid change (serine 968 retained).
Molecular consequence: synonymous variant.
Genome position (GRCh38, 1-based): chr21:31,165,049, G>A on the plus strand (C>T on the coding strand, the complement: TIAM1 is on the minus strand). VCF-style: chr21-31165049-G-A. GRCh37 (hg19) VCF-style: chr21-32537366-G-A.
Other names: NC_000021.8:g.32537366G>A; c.2904C>T, p.Ser968= (NM_001353686.2, NM_001353688.1, NM_001353689.1 and 5 more transcripts); c.2829C>T, p.Ser943= (NM_001353687.2).
Identifiers: ClinVar variation 3037692 (VCV003037692.7), dbSNP rs146229915, ClinGen allele CA9997998.

ClinVar aggregate classification (germline): Likely benign. Review status: criteria provided, single submitter (1 of 4 stars). 2 submissions from 2 submitters: Likely benign (1). 1 of the submissions does not count toward it. Last evaluated 2026-08-01.

Conditions:
TIAM1-related disorder. Also called: TIAM1-related condition.

Allele frequency attached by ClinVar (database versions not stated): TOPMed 0.00030; ExAC 0.00032; gnomAD exomes 0.00042; ESP Exome Variant Server 0.00054.
gnomAD v4.1: 655 of 1,613,784 alleles (0.041%); highest among the groups gnomAD compares: Non-Finnish European, 0.052%; no homozygotes.

Submissions (3):

CeGaT Center for Human Genetics Tuebingen
Classification: Likely benign. Last evaluated: 2026-08-01. Review status: criteria provided, single submitter. Criteria: CeGaT Center For Human Genetics Tuebingen Variant Classification Criteria Version 2. Collection method: clinical testing. Allele origin: germline. Affected: yes. Observed: 2 variant alleles.
Comment: TIAM1: BP4, BP7

PreventionGenetics, part of Exact Sciences
Classification: Likely benign for TIAM1-related condition. Last evaluated: 2019-05-02. Review status: no assertion criteria provided. Collection method: clinical testing. Allele origin: germline. Not counted in ClinVar's aggregate classification.
Comment: This variant is classified as likely benign based on ACMG/AMP sequence variant interpretation guidelines (Richards et al. 2015 PMID: 25741868, with internal and published modifications).

Dr. Peter K. Rogan Lab, Western University
No classification provided (evidence only). Condition: Thyroid cancer, nonmedullary, 1. Review status: no classification provided. Collection method: in vitro. Allele origin: not applicable. Functional consequence: retained intron. Not counted in ClinVar's aggregate classification.